The following is an entry in ClinVar:

ClinVar aggregate classification (germline): Uncertain significance (1 of 4 stars; one submission).

Allele frequency attached by ClinVar (database versions not stated): TOPMed below 0.00001.

Submission:

Ambry Genetics
Classification: Uncertain significance. Last evaluated: 2024-02-09. Review status: criteria provided, single submitter. Criteria: Ambry Variant Classification Scheme 2023. Collection method: clinical testing. Allele origin: germline.
Comment: The p.H727P variant (also known as c.2180A>C), located in coding exon 15 of the CTNNA3 gene, results from an A to C substitution at nucleotide position 2180. The histidine at codon 727 is replaced by proline, an amino acid with similar properties. This amino acid position is conserved. In addition, the in silico prediction for this alteration is inconclusive. Based on the available evidence, the clinical significance of this alteration remains unclear.

NM_013266.4(CTNNA3):c.2180A>C (p.His727Pro)

Gene: CTNNA3 (catenin alpha 3; minus strand). Cytogenetic location: 10q21.3.
Variant type: single nucleotide variant.
Coding change: c.2180A>C on transcript NM_013266.4 (MANE Select); coding-DNA position 2180, A replaced by C.
Protein change: p.His727Pro; replaces histidine 727 with proline.
Molecular consequence: missense variant.
Genome position (GRCh38, 1-based): chr10:65,988,777, T>G on the plus strand (A>C on the coding strand, the complement: CTNNA3 is on the minus strand). VCF-style: chr10-65988777-T-G. GRCh37 (hg19) VCF-style: chr10-67748535-T-G.
Other names: c.2180A>C, p.His727Pro (NM_001127384.3); short protein forms H727P.
Identifiers: ClinVar variation 3226234 (VCV003226234.1), dbSNP rs1345330716, ClinGen allele CA377089385.